The following is an entry in ClinVar:

NM_001253852.3(AP4B1):c.56A>G (p.Asn19Ser)

Genes: AP4B1 (adaptor related protein complex 4 subunit beta 1; minus strand), DCLRE1B (DNA cross-link repair 1B; plus strand), LOC129931235 (ATAC-STARR-seq lymphoblastoid active region 1540; plus strand). Cytogenetic location: 1p13.2.
Variant type: single nucleotide variant.
Coding change: c.56A>G on transcript NM_001253852.3 (MANE Select); coding-DNA position 56, A replaced by G.
Protein change: p.Asn19Ser; replaces asparagine 19 with serine.
Molecular consequence: missense variant. On other transcripts: 5 prime UTR variant (2).
Genome position (GRCh38, 1-based): chr1:113,904,662, T>C on the plus strand (A>G on the coding strand, the complement: AP4B1 is on the minus strand). VCF-style: chr1-113904662-T-C. GRCh37 (hg19) VCF-style: chr1-114447284-T-C.
Other names: c.-114A>G (NM_001253853.3); c.56A>G, p.Asn19Ser (NM_001308312.2, NM_001437822.1, NM_001438373.1 and 7 more transcripts); c.-377T>C (NM_001319947.2); short protein forms N19S.
Identifiers: ClinVar variation 647873 (VCV000647873.10), dbSNP rs758302124, ClinGen allele CA1016212.

ClinVar aggregate classification (germline): Uncertain significance. Review status: criteria provided, multiple submitters, no conflicts (2 of 4 stars). 2 submissions from 2 submitters: Uncertain significance (2). Last evaluated 2025-09-04.

Conditions:
Inborn genetic diseases. Identifiers: MedGen C0950123, MeSH D030342.
Hereditary spastic paraplegia 47. Also called: adaptor protein 4 (AP-4) deficiency syndrome; Spastic paraplegia 47, autosomal recessive; CEREBRAL PALSY, SPASTIC QUADRIPLEGIC, 5. Identifiers: Orphanet 280763, MedGen C3279738, MONDO:0013551, OMIM 614066.

Allele frequency attached by ClinVar (database versions not stated): gnomAD exomes 0.00003; gnomAD 0.00001; TOPMed 0.00001; ExAC 0.00002.

Submissions (2):

Ambry Genetics
Classification: Uncertain significance for Inborn genetic diseases. Last evaluated: 2025-09-04. Review status: criteria provided, single submitter. Criteria: Ambry Variant Classification Scheme 2023. Collection method: clinical testing. Allele origin: germline.

Labcorp Genetics (formerly Invitae), Labcorp
Classification: Uncertain significance for Hereditary spastic paraplegia 47. Last evaluated: 2021-07-17. Review status: criteria provided, single submitter. Criteria: Invitae Variant Classification Sherloc (09022015). Collection method: clinical testing. Allele origin: germline.
Comment: This sequence change replaces asparagine with serine at codon 19 of the AP4B1 protein (p.Asn19Ser). The asparagine residue is moderately conserved and there is a small physicochemical difference between asparagine and serine. This variant is present in population databases (rs758302124, ExAC 0.01%). This variant has not been reported in the literature in individuals with AP4B1-related disease. Algorithms developed to predict the effect of missense changes on protein structure and function do not agree on the potential impact of this missense change (SIFT: "Tolerated"; PolyPhen-2: "Possibly Damaging"; Align-GVGD: "Class C0"). In summary, the available evidence is currently insufficient to determine the role of this variant in disease. Therefore, it has been classified as a Variant of Uncertain Significance.